The following is an entry in ClinVar:

NM_138477.4(CDAN1):c.3025dup (p.Glu1009fs)

Gene: CDAN1 (codanin 1; minus strand). Cytogenetic location: 15q15.2.
Variant type: Duplication.
Coding change: c.3025dup on transcript NM_138477.4 (MANE Select); coding-DNA position 3025, one base duplicated (G; older notation c.3025dupG).
Protein change: p.Glu1009fs; shifts the reading frame from glutamic acid 1009.
Molecular consequence: frameshift variant.
Genome position (GRCh38, 1-based): chr15:42,727,692, C duplicated on the plus strand (G on the coding strand, the reverse complement: CDAN1 is on the minus strand); the first of 6 consecutive C bases (chr15:42,727,692-42,727,697); duplicating any one gives the same sequence. VCF-style (leftmost placement, unchanged base first): chr15-42727691-T-TC. GRCh37 (hg19) VCF-style: chr15-43019889-T-TC.
Other names: short protein forms E1009fs.
Identifiers: ClinVar variation 1914077 (VCV001914077.5), dbSNP rs2061548697, ClinGen allele CA618002494.

ClinVar aggregate classification (germline): Pathogenic (1 of 4 stars; one submission).

Submission:

Labcorp Genetics (formerly Invitae), Labcorp
Classification: Pathogenic. Last evaluated: 2024-09-30. Review status: criteria provided, single submitter. Criteria: Invitae Variant Classification Sherloc (09022015). Collection method: clinical testing. Allele origin: germline.
Comment: This sequence change creates a premature translational stop signal (p.Glu1009Glyfs*10) in the CDAN1 gene. It is expected to result in an absent or disrupted protein product. Loss-of-function variants in CDAN1 are known to be pathogenic (PMID: 16098079, 16141353). The frequency data for this variant in the population databases is considered unreliable, as metrics indicate poor data quality at this position in the gnomAD database. This premature translational stop signal has been observed in individual(s) with congenital dyserythropoietic anemia type 1 (PMID: 33401150). ClinVar contains an entry for this variant (Variation ID: 1914077). Algorithms developed to predict the effect of sequence changes on RNA splicing suggest that this variant may disrupt the consensus splice site. For these reasons, this variant has been classified as Pathogenic.

Literature cited by the submitters: PubMed 16098079; PubMed 16141353; PubMed 33401150.